The following is an entry in ClinVar:

ClinVar aggregate classification (germline): Benign. Review status: criteria provided, multiple submitters, no conflicts (2 of 4 stars). 3 submissions from 3 submitters: Benign (3). Last evaluated 2019-12-31.

Conditions:
Long QT syndrome (LQTS). Identifiers: MedGen C0023976, MeSH D008133, MONDO:0002442. Disease mechanism: loss of function. Inheritance: Various modes of inheritance.

Allele frequency attached by ClinVar (database versions not stated): gnomAD exomes 0.28104; gnomAD 0.33863 and 0.34322; TOPMed 0.34734; 1000 Genomes Project 0.35284; 1000 Genomes Project 30x 0.35431.
gnomAD v4.1: 151,675 of 506,024 alleles (30%); highest among the groups gnomAD compares: African/African-American, 53%; 25,023 homozygotes.

Submissions (3):

Labcorp Genetics (formerly Invitae), Labcorp
Classification: Benign for Long QT syndrome. Last evaluated: 2019-12-31. Review status: criteria provided, single submitter. Criteria: Invitae Variant Classification Sherloc (09022015). Collection method: clinical testing. Allele origin: germline.

GeneDx
Classification: Benign. Last evaluated: 2018-06-14. Review status: criteria provided, single submitter. Criteria: GeneDx Variant Classification (06012015). Collection method: clinical testing. Allele origin: germline. Affected: yes.
Comment: This variant is considered likely benign or benign based on one or more of the following criteria: it is a conservative change, it occurs at a poorly conserved position in the protein, it is predicted to be benign by multiple in silico algorithms, and/or has population frequency not consistent with disease.

Breakthrough Genomics
Classification: Benign. Review status: criteria provided, single submitter. Criteria: ACMG Guidelines, 2015. Collection method: not provided. Allele origin: germline. Inheritance: Autosomal dominant inheritance. Affected: yes.

NM_000719.7(CACNA1C):c.3946-298G>A

Gene: CACNA1C (calcium voltage-gated channel subunit alpha1 C; plus strand). Cytogenetic location: 12p13.33.
Variant type: single nucleotide variant.
Coding change: c.3946-298G>A on transcript NM_000719.7 (MANE Select); 298 bases into the intron before coding-DNA position 3946, G replaced by A.
Molecular consequence: intron variant.
Genome position (GRCh38, 1-based): chr12:2,651,342, G>A. VCF-style: chr12-2651342-G-A. GRCh37 (hg19) VCF-style: chr12-2760508-G-A.
Other names: c.3946-298G>A (NM_001167624.3, NM_001167623.2, NM_001129840.2 and 7 more transcripts); c.3913-298G>A (NM_001167625.2, NM_001129837.2, NM_001129838.2 and 1 more transcripts); c.4090-298G>A (NM_199460.4, NM_001129827.2); c.4006-298G>A (NM_001129832.2); c.4030-298G>A (NM_001129831.2); c.3946-232G>A (NM_001129829.2); c.3907-298G>A (NM_001129839.2); c.3997-298G>A (NM_001129836.2); and 1 more.
Identifiers: ClinVar variation 673265 (VCV000673265.6), dbSNP rs216044, ClinGen allele CA13611125.
Genomic context (GRCh38, chr12:2,651,342, plus strand): 5'-CAGGGCAGCTGGCTCTGGGCCTAGAAGATTCCAAAGCCTATGGTAGTTCCTGATGGAGTC[G>A]TCTGTCCTCCATCCAGGGCATTAAGAACTAGGAATGAAGGGGAATCGGGGAGAATAAAAA-3'